The following is an entry in ClinVar:

NM_000484.4(APP):c.1037C>T (p.Ser346Phe)

Gene: APP (amyloid beta precursor protein; minus strand). Cytogenetic location: 21q21.3.
Variant type: single nucleotide variant.
Coding change: c.1037C>T on transcript NM_000484.4 (MANE Select); coding-DNA position 1037, C replaced by T.
Protein change: p.Ser346Phe; replaces serine 346 with phenylalanine.
Molecular consequence: missense variant. On other transcripts: intron variant (7).
Genome position (GRCh38, 1-based): chr21:25,997,413, G>A on the plus strand (C>T on the coding strand, the complement: APP is on the minus strand). VCF-style: chr21-25997413-G-A. GRCh37 (hg19) VCF-style: chr21-27369728-G-A.
Other names: c.869C>T, p.Ser290Phe (NM_001136130.3, NM_001385253.1); c.1037C>T, p.Ser346Phe (NM_001204301.2); c.761-14936C>T (NM_001136131.3); c.698-14936C>T (NM_001136129.3); c.866-14936C>T (NM_001204303.2, NM_201414.3); c.1033+2602C>T (NM_001204302.2, NM_201413.3); c.1018+2602C>T (NM_001136016.3); short protein forms S290F, S346F.
Identifiers: ClinVar variation 3627286 (VCV003627286.2).

ClinVar aggregate classification (germline): Uncertain significance (1 of 4 stars; one submission).

Conditions:
Alzheimer disease. Also called: Presenile and senile dementia; Alzheimer's disease. Identifiers: Orphanet 1020, MedGen C0002395, MeSH D000544, MONDO:0004975, HP:0002511.

Submission:

Labcorp Genetics (formerly Invitae), Labcorp
Classification: Uncertain significance for Alzheimer disease. Last evaluated: 2024-07-27. Review status: criteria provided, single submitter. Criteria: Invitae Variant Classification Sherloc (09022015). Collection method: clinical testing. Allele origin: germline.
Comment: This sequence change replaces serine, which is neutral and polar, with phenylalanine, which is neutral and non-polar, at codon 346 of the APP protein (p.Ser346Phe). This variant is not present in population databases (gnomAD no frequency). This variant has not been reported in the literature in individuals affected with APP-related conditions. Advanced modeling of protein sequence and biophysical properties (such as structural, functional, and spatial information, amino acid conservation, physicochemical variation, residue mobility, and thermodynamic stability) performed at Invitae indicates that this missense variant is not expected to disrupt APP protein function with a negative predictive value of 95%. In summary, the available evidence is currently insufficient to determine the role of this variant in disease. Therefore, it has been classified as a Variant of Uncertain Significance.